The following is an entry in ClinVar:

ClinVar aggregate classification (germline): Uncertain significance (1 of 4 stars; one submission).

Submission:

Labcorp Genetics (formerly Invitae), Labcorp
Classification: Uncertain significance. Last evaluated: 2024-03-25. Review status: criteria provided, single submitter. Criteria: Invitae Variant Classification Sherloc (09022015). Collection method: clinical testing. Allele origin: germline.
Comment: This sequence change replaces proline, which is neutral and non-polar, with alanine, which is neutral and non-polar, at codon 364 of the ARID1A protein (p.Pro364Ala). This variant is not present in population databases (gnomAD no frequency). This variant has not been reported in the literature in individuals affected with ARID1A-related conditions. Advanced modeling of protein sequence and biophysical properties (such as structural, functional, and spatial information, amino acid conservation, physicochemical variation, residue mobility, and thermodynamic stability) performed at Invitae indicates that this missense variant is not expected to disrupt ARID1A protein function with a negative predictive value of 95%. In summary, the available evidence is currently insufficient to determine the role of this variant in disease. Therefore, it has been classified as a Variant of Uncertain Significance.

NM_006015.6(ARID1A):c.1090C>G (p.Pro364Ala)

Genes: ARID1A (AT-rich interaction domain 1A; plus strand), LOC129929837 (ATAC-STARR-seq lymphoblastoid silent region 489; plus strand). Cytogenetic location: 1p36.11.
Variant type: single nucleotide variant.
Coding change: c.1090C>G on transcript NM_006015.6 (MANE Select); coding-DNA position 1090, C replaced by G.
Protein change: p.Pro364Ala; replaces proline 364 with alanine.
Molecular consequence: missense variant.
Genome position (GRCh38, 1-based): chr1:26,697,493, C>G. VCF-style: chr1-26697493-C-G. GRCh37 (hg19) VCF-style: chr1-27023984-C-G.
Other names: c.1090C>G, p.Pro364Ala (NM_139135.4); short protein forms P364A.
Identifiers: ClinVar variation 3633523 (VCV003633523.2).